The following is an entry in ClinVar:

ClinVar aggregate classification (germline): Uncertain significance (1 of 4 stars; one submission).

Allele frequency attached by ClinVar (database versions not stated): gnomAD exomes 0.00002 and 0.00005; ExAC 0.00004; gnomAD 0.00004; TOPMed 0.00004; ESP Exome Variant Server 0.00015.
gnomAD v4.1: 72 of 1,578,140 alleles (0.0046%); highest among the groups gnomAD compares: Non-Finnish European, 0.0057%; 1 homozygote.

Submission:

Labcorp Genetics (formerly Invitae), Labcorp
Classification: Uncertain significance. Last evaluated: 2025-07-10. Review status: criteria provided, single submitter. Criteria: Invitae Variant Classification Sherloc (09022015). Collection method: clinical testing. Allele origin: germline.
Comment: This sequence change falls in intron 11 of the MYO3A gene. It does not directly change the encoded amino acid sequence of the MYO3A protein. It affects a nucleotide within the consensus splice site. This variant is present in population databases (rs376770226, gnomAD 0.01%). This variant has not been reported in the literature in individuals affected with MYO3A-related conditions. ClinVar contains an entry for this variant (Variation ID: 1404791). Variants that disrupt the consensus splice site are a relatively common cause of aberrant splicing (PMID: 17576681, 9536098). Algorithms developed to predict the effect of sequence changes on RNA splicing suggest that this variant is not likely to affect RNA splicing. In summary, the available evidence is currently insufficient to determine the role of this variant in disease. Therefore, it has been classified as a Variant of Uncertain Significance.

Literature cited by the submitters: PubMed 17576681; PubMed 9536098.

NM_017433.5(MYO3A):c.1053+3A>G

Gene: MYO3A (myosin IIIA; plus strand). Cytogenetic location: 10p12.1.
Variant type: single nucleotide variant.
Coding change: c.1053+3A>G on transcript NM_017433.5 (MANE Select); 3 bases into the intron after coding-DNA position 1053, A replaced by G.
Molecular consequence: intron variant.
Genome position (GRCh38, 1-based): chr10:26,067,077, A>G. VCF-style: chr10-26067077-A-G. GRCh37 (hg19) VCF-style: chr10-26356006-A-G.
Identifiers: ClinVar variation 1404791 (VCV001404791.7), dbSNP rs376770226, ClinGen allele CA5444536.